The following is an entry in ClinVar:

NM_003073.5(SMARCB1):c.801C>A (p.Asn267Lys)

Gene: SMARCB1 (SWI/SNF related BAF chromatin remodeling complex subunit B1; plus strand). Cytogenetic location: 22q11.23.
Variant type: single nucleotide variant.
Coding change: c.801C>A on transcript NM_003073.5 (MANE Select); coding-DNA position 801, C replaced by A.
Protein change: p.Asn267Lys; replaces asparagine 267 with lysine.
Molecular consequence: missense variant.
Genome position (GRCh38, 1-based): chr22:23,825,230, C>A. VCF-style: chr22-23825230-C-A. GRCh37 (hg19) VCF-style: chr22-24167417-C-A.
Other names: c.774C>A, p.Asn258Lys (NM_001007468.3); c.828C>A, p.Asn276Lys (NM_001317946.2); c.855C>A, p.Asn285Lys (NM_001362877.2); short protein forms N267K, N276K, N258K, N285K.
Identifiers: ClinVar variation 3958526 (VCV003958526.1).
Genomic context (GRCh38, chr22:23,825,230, plus strand): 5'-GCGGCCTCCCTGGGCTGCAAAAGCTCTAACTTGTGTCCTTTGGTTGTTGCCTCAGCTGAA[C>A]ATCCATGTGGGAAACATTTCCCTGGTGGACCAGTTTGAGTGGGACATGTCAGAGAAGGAG-3'
Protein context (NP_003064.2, residues 257-277): QSDQRVIIKL[Asn267Lys]IHVGNISLVD

ClinVar aggregate classification (germline): Uncertain significance (1 of 4 stars; one submission).

Conditions:
Hereditary cancer-predisposing syndrome. Also called: Tumor predisposition; Hereditary neoplastic syndrome; Hereditary Cancer Syndrome; Neoplastic Syndromes, Hereditary. Identifiers: Orphanet 140162, MedGen C0027672, MeSH D009386, MONDO:0015356.

Submission:

Ambry Genetics
Classification: Uncertain significance for Hereditary cancer-predisposing syndrome. Last evaluated: 2025-04-25. Review status: criteria provided, single submitter. Criteria: Ambry Variant Classification Scheme 2023. Collection method: clinical testing. Allele origin: germline.
Comment: The p.N267K variant (also known as c.801C>A), located in coding exon 7 of the SMARCB1 gene, results from a C to A substitution at nucleotide position 801. The asparagine at codon 267 is replaced by lysine, an amino acid with similar properties. This amino acid position is conserved. In addition, the in silico prediction for this alteration is inconclusive. Based on the available evidence, the clinical significance of this variant remains unclear.